The following is an entry in ClinVar:

NM_139076.3(ABRAXAS1):c.370C>A (p.His124Asn)

Gene: ABRAXAS1 (abraxas 1, BRCA1 A complex subunit; minus strand). Cytogenetic location: 4q21.23.
Variant type: single nucleotide variant.
Coding change: c.370C>A on transcript NM_139076.3 (MANE Select); coding-DNA position 370, C replaced by A.
Protein change: p.His124Asn; replaces histidine 124 with asparagine.
Molecular consequence: missense variant.
Genome position (GRCh38, 1-based): chr4:83,470,309, G>T on the plus strand (C>A on the coding strand, the complement: ABRAXAS1 is on the minus strand). VCF-style: chr4-83470309-G-T. GRCh37 (hg19) VCF-style: chr4-84391462-G-T.
Other names: c.43C>A, p.His15Asn (NM_001345962.2); short protein forms H124N, H15N.
Identifiers: ClinVar variation 1799819 (VCV001799819.2), dbSNP rs2529438167, ClinGen allele CA357259908.
Genomic context (GRCh38, chr4:83,470,309, plus strand): 5'-AGCTTTCTGTTATTATACTTGGTGTTAATAGCAGAAAAACAAGGTCTTGGTTTGAAAAAT[G>T]CTCCTGCAAGTTTTTGTGAAGCAGCCTCTCTCTAAACGTCATGATCTGATCTGAATGACG-3'
Protein context (NP_620775.2, residues 114-134): ERLLHKNLQE[His124Asn]FSNQDLVFLL

ClinVar aggregate classification (germline): Uncertain significance (1 of 4 stars; one submission).

Submission:

Ambry Genetics
Classification: Uncertain significance. Last evaluated: 2021-12-10. Review status: criteria provided, single submitter. Criteria: Ambry Variant Classification Scheme 2023. Collection method: clinical testing. Allele origin: germline.
Comment: The p.H124N variant (also known as c.370C>A), located in coding exon 5 of the FAM175A gene, results from a C to A substitution at nucleotide position 370. The histidine at codon 124 is replaced by asparagine, an amino acid with similar properties. This amino acid position is conserved. In addition, this alteration is predicted to be tolerated by in silico analysis. Since supporting evidence is limited at this time, the clinical significance of this alteration remains unclear.